The following is an entry in ClinVar:

NM_001379451.1(BCORL1):c.1288A>G (p.Met430Val)

Gene: BCORL1 (BCL6 corepressor like 1; plus strand). Cytogenetic location: Xq26.1.
Variant type: single nucleotide variant.
Coding change: c.1288A>G on transcript NM_001379451.1 (MANE Select); coding-DNA position 1288, A replaced by G.
Protein change: p.Met430Val; replaces methionine 430 with valine.
Molecular consequence: missense variant.
Genome position (GRCh38, 1-based): chrX:130,014,060, A>G. VCF-style: chrX-130014060-A-G. GRCh37 (hg19) VCF-style: chrX-129148036-A-G.
Other names: c.1288A>G, p.Met430Val (NM_001184772.3, NM_001379450.1, NM_021946.5); short protein forms M430V.
Identifiers: ClinVar variation 1310671 (VCV001310671.3), dbSNP rs1929209697, ClinGen allele CA414581580.

ClinVar aggregate classification (germline): Uncertain significance. Review status: criteria provided, multiple submitters, no conflicts (2 of 4 stars). 2 submissions from 2 submitters: Uncertain significance (2). Last evaluated 2022-12-07.

Conditions:
Shukla-Vernon syndrome. Identifiers: MedGen C5193146, MONDO:0026727, OMIM 301029.

Allele frequency attached by ClinVar (database versions not stated): gnomAD exomes below 0.00001; TOPMed below 0.00001.
gnomAD v4.1: 2 of 1,208,061 alleles (0.00017%); highest among the groups gnomAD compares: Middle Eastern, 0.023%; no homozygotes.

Submissions (2):

Institute of Medical Genetics and Applied Genomics, University Hospital Tübingen
Classification: Uncertain significance for Shukla-Vernon syndrome. Last evaluated: 2022-12-07. Review status: criteria provided, single submitter. Criteria: ACMG Guidelines, 2015. Collection method: clinical testing. Allele origin: germline. Inheritance: X-linked dominant inheritance. Affected: yes.

GeneDx
Classification: Uncertain significance. Last evaluated: 2022-11-28. Review status: criteria provided, single submitter. Criteria: GeneDx Variant Classification Process June 2021. Collection method: clinical testing. Allele origin: germline. Affected: yes.
Comment: Not observed in large population cohorts (gnomAD); In silico analysis, which includes protein predictors and evolutionary conservation, supports that this variant does not alter protein structure/function; Has not been previously published as pathogenic or benign to our knowledge